The following is an entry in ClinVar:

NM_016122.3(CEP83):c.1420-5T>C

Gene: CEP83 (centrosomal protein 83; minus strand). Cytogenetic location: 12q22.
Variant type: single nucleotide variant.
Coding change: c.1420-5T>C on transcript NM_016122.3 (MANE Select); 5 bases into the intron before coding-DNA position 1420, T replaced by C.
Molecular consequence: intron variant.
Genome position (GRCh38, 1-based): chr12:94,333,644, A>G on the plus strand (T>C on the coding strand, the complement: CEP83 is on the minus strand). VCF-style: chr12-94333644-A-G. GRCh37 (hg19) VCF-style: chr12-94727420-A-G.
Other names: c.1420-5T>C (NM_001346457.2, NM_001042399.2, NM_001368038.1 and 1 more transcripts); c.1108-5T>C (NM_001346459.2, NM_001346458.2, NM_001368040.1 and 1 more transcripts); c.1195-5T>C (NM_001368041.1).
Identifiers: ClinVar variation 1030535 (VCV001030535.1), dbSNP rs2059331926, ClinGen allele CA2055761677.

ClinVar aggregate classification (germline): Uncertain significance (1 of 4 stars; one submission).

Conditions:
Nephronophthisis 18 (NPHP18). Identifiers: Orphanet 655, MedGen C3890591, MONDO:0014374, OMIM 615862.

gnomAD v4.1: 1 of 1,608,702 alleles (0.000062%); no homozygotes.

Submission:

Baylor Genetics
Classification: Uncertain significance for Nephronophthisis 18. Last evaluated: 2020-06-08. Review status: criteria provided, single submitter. Criteria: ACMG Guidelines, 2015. Collection method: clinical testing. Allele origin: unknown. Affected: yes.
Comment: This variant was determined to be of uncertain significance according to ACMG Guidelines, 2015 [PMID:25741868].